The following is an entry in ClinVar:

ClinVar aggregate classification (germline): Uncertain significance. Review status: criteria provided, multiple submitters, no conflicts (2 of 4 stars). 2 submissions from 2 submitters: Uncertain significance (2). Last evaluated 2023-02-15.

Conditions:
Hereditary cancer-predisposing syndrome. Also called: Neoplastic Syndromes, Hereditary; Tumor predisposition; Hereditary neoplastic syndrome; Hereditary Cancer Syndrome. Identifiers: Orphanet 140162, MedGen C0027672, MeSH D009386, MONDO:0015356.
Familial adenomatous polyposis 1 (FAP1). Also called: FAMILIAL ADENOMATOUS POLYPOSIS 1, ATTENUATED; POLYPOSIS, ADENOMATOUS INTESTINAL. Identifiers: MedGen C2713442, MONDO:0021056, OMIM 175100. Disease mechanism: loss of function.

Submissions (2):

Ambry Genetics
Classification: Uncertain significance for Hereditary cancer-predisposing syndrome. Last evaluated: 2023-02-15. Review status: criteria provided, single submitter. Criteria: Ambry Variant Classification Scheme 2023. Collection method: clinical testing. Allele origin: germline.
Comment: The c.4416_4427dup12 variant (also known as p.N1473_V1476dup), located in coding exon 15 of the APC gene, results from an in-frame duplication of 12 nucleotides at nucleotide positions 4416 to 4427. This results in the duplication of 4 extra residues (NAAV) between codons 1473 and 1476. These amino acid positions are well conserved in available vertebrate species. In addition, the in silico prediction for this alteration is inconclusive (Choi Y et al. PLoS ONE. 2012; 7(10):e46688). Since supporting evidence is limited at this time, the clinical significance of this alteration remains unclear.

Labcorp Genetics (formerly Invitae), Labcorp
Classification: Uncertain significance for Familial adenomatous polyposis 1. Last evaluated: 2018-02-28. Review status: criteria provided, single submitter. Criteria: Invitae Variant Classification Sherloc (09022015). Collection method: clinical testing. Allele origin: germline.
Comment: This variant is not present in population databases (ExAC no frequency). This variant has not been reported in the literature in individuals with APC-related disease. Experimental studies and prediction algorithms are not available for this variant, and the functional significance of the duplicated amino acids is currently unknown. In summary, the available evidence is currently insufficient to determine the role of this variant in disease. Therefore, it has been classified as a Variant of Uncertain Significance. This variant, c.4416_4427dupAAATGCTGCAGT, results in the insertion of 4 amino acids to the APC protein (p.Asn1473_Val1476dup), but otherwise preserves the integrity of the reading frame.

NM_000038.6(APC):c.4416_4427dup (p.Asn1473_Val1476dup)

Gene: APC (APC regulator of Wnt signaling pathway; plus strand). Cytogenetic location: 5q22.2.
Variant type: Duplication.
Coding change: c.4416_4427dup on transcript NM_000038.6 (MANE Select); coding-DNA positions 4416 to 4427, 12 bases duplicated (AAATGCTGCAGT).
Protein change: p.Asn1473_Val1476dup.
Molecular consequence: inframe insertion.
Genome position (GRCh38, 1-based): chr5:112,840,010-112,840,021, AAATGCTGCAGT duplicated; duplicating any 12 consecutive bases within chr5:112,840,002-112,840,021 gives the same sequence; the c. name uses the placement nearest the transcript's 3' end. VCF-style (leftmost placement, unchanged base first): chr5-112840001-A-AGCTGCAGTAAAT. GRCh37 (hg19) VCF-style: chr5-112175698-A-AGCTGCAGTAAAT.
Other names: c.4416_4427dup, p.Asn1473_Val1476dup (NM_001127510.3, NM_001354895.2); c.4362_4373dup, p.Asn1455_Val1458dup (NM_001127511.3); c.4470_4481dup, p.Asn1491_Val1494dup (NM_001354896.2); c.4446_4457dup, p.Asn1483_Val1486dup (NM_001354897.2); c.4341_4352dup, p.Asn1448_Val1451dup (NM_001354898.2); c.4332_4343dup, p.Asn1445_Val1448dup (NM_001354899.2); c.4293_4304dup, p.Asn1432_Val1435dup (NM_001354900.2); c.4239_4250dup, p.Asn1414_Val1417dup (NM_001354901.2); and 6 more.
Identifiers: ClinVar variation 578488 (VCV000578488.12), dbSNP rs1561592283, ClinGen allele CA891843021.